The following is an entry in ClinVar:

NM_007294.4(BRCA1):c.5193+123del

Gene: BRCA1 (BRCA1 DNA repair associated; minus strand). Cytogenetic location: 17q21.31.
Variant type: Deletion.
Coding change: c.5193+123del on transcript NM_007294.4 (MANE Select); 123 bases into the intron after coding-DNA position 5193, one base deleted (G; older notation c.5193+123delG).
Molecular consequence: intron variant.
Genome position (GRCh38, 1-based): chr17:43,063,210, C deleted on the plus strand (G on the coding strand, the reverse complement: BRCA1 is on the minus strand). VCF-style (leftmost placement, unchanged base first): chr17-43063209-TC-T. GRCh37 (hg19) VCF-style: chr17-41215226-TC-T.
Other names: c.1884+123del (NM_001407973.1, NM_001407975.1, NM_001407978.1 and 3 more transcripts); c.5193+123del (NM_001407596.1, NM_001407602.1, NM_001407597.1 and 7 more transcripts); c.4305+123del (NM_001407966.1); c.4806+123del (NM_001407963.1); c.1500+123del (NM_001408511.1); c.1743+123del (NM_001408457.1, NM_001408454.1, NM_001408453.1 and 3 more transcripts); c.5052+123del (NM_001407692.1, NM_001407729.1, NM_001407698.1 and 13 more transcripts); c.4809+123del (NM_001407960.1, NM_001407962.1); and 72 more.
Identifiers: ClinVar variation 4845425 (VCV004845425.1).

ClinVar aggregate classification (germline): Uncertain significance (1 of 4 stars; one submission).

Conditions:
Hereditary breast ovarian cancer syndrome. Also called: Hereditary breast and/or ovarian cancer syndrome; BRCA1- and BRCA2-Associated Hereditary Breast and Ovarian Cancer; Hereditary breast and ovarian cancer syndrome (HBOC); Breast and ovarian cancer; Hereditary breast and ovarian cancer; Hereditary breast and ovarian cancer syndrome. Identifiers: Orphanet 145, MedGen C0677776, MeSH D061325, MONDO:0003582. Disease mechanism: loss of function.

Submission:

German Consortium for Hereditary Breast and Ovarian Cancer, University Hospital Cologne
Classification: Uncertain significance for Hereditary breast ovarian cancer syndrome. Last evaluated: 2026-03-13. Review status: criteria provided, single submitter. Criteria: ClinGen BRCA1 1.2.0. Collection method: curation. Allele origin: germline.
Comment: This classification follows the ClinGen ENIGMA BRCA1 v1.2.0 classification scheme; We chose these criteria: PP3 (supporting pathogenic): SpliceAI Acceptor Gain 0.47, BS1 (strong benign): gnomAD v3.1.2 (non-cancer) Grpmax Filtering AF = 0.0001123 = 0.01123%, thus > 0.0001 (> 0.01%)